The following is an entry in ClinVar:

NM_001040108.2(MLH3):c.1986_1987delinsT (p.Leu662fs)

Gene: MLH3 (mutL homolog 3; minus strand). Cytogenetic location: 14q24.3.
Variant type: Indel.
Coding change: c.1986_1987delinsT on transcript NM_001040108.2 (MANE Select); coding-DNA positions 1986 to 1987, AA replaced by T.
Protein change: p.Leu662fs; shifts the reading frame from leucine 662.
Molecular consequence: frameshift variant.
Genome position (GRCh38, 1-based): chr14:75,047,669-75,047,670, TT replaced by A on the plus strand (AA replaced by T on the coding strand, the reverse complement: MLH3 is on the minus strand). VCF-style: chr14-75047669-TT-A. GRCh37 (hg19) VCF-style: chr14-75514372-TT-A.
Other names: c.1986_1987delinsT, p.Leu662fs (NM_014381.3); short protein forms L662fs.
Identifiers: ClinVar variation 3295121 (VCV003295121.2).

ClinVar aggregate classification (germline): Pathogenic (1 of 4 stars; one submission).

Submission:

Ambry Genetics
Classification: Pathogenic. Last evaluated: 2026-06-03. Review status: criteria provided, single submitter. Criteria: Ambry Variant Classification Scheme 2023. Collection method: clinical testing. Allele origin: germline.
Comment: The c.1986_1987delAAinsT pathogenic mutation, located in coding exon 1 of the MLH3 gene, results from the deletion of two nucleotides and insertion of one nucleotide causing a translational frameshift with a predicted alternate stop codon (p.L662Ffs*18). This variant is considered to be rare based on population cohorts in the Genome Aggregation Database (gnomAD). This alteration is expected to result in loss of function by premature protein truncation or nonsense-mediated mRNA decay. As such, this alteration is interpreted as a disease-causing mutation.